The following is an entry in ClinVar:

ClinVar aggregate classification (germline): Benign/Likely benign. Review status: criteria provided, multiple submitters, no conflicts (2 of 4 stars). 4 submissions from 4 submitters: Benign (1); Likely benign (3). Last evaluated 2026-04-12.

Conditions:
PDE2A-related disorder. Also called: PDE2A-related condition.

Allele frequency attached by ClinVar (database versions not stated): 1000 Genomes Project 30x 0.00078; 1000 Genomes Project 0.00080; TOPMed 0.00171; ESP Exome Variant Server 0.00200; gnomAD 0.00206 and 0.00216.
gnomAD v4.1: 4,213 of 1,613,372 alleles (0.26%); highest among the groups gnomAD compares: Non-Finnish European, 0.32%; 16 homozygotes.

Submissions (4):

PreventionGenetics, part of Exact Sciences
Classification: Likely benign for PDE2A-related condition. Last evaluated: 2026-04-12. Review status: criteria provided, single submitter. Criteria: ACMG Guidelines, 2015. Collection method: clinical testing. Allele origin: germline.
Comment: This variant is classified as likely benign based on ACMG/AMP sequence variant interpretation guidelines (Richards et al. 2015 PMID: 25741868, with internal and published modifications).

CeGaT Center for Human Genetics Tuebingen
Classification: Likely benign. Last evaluated: 2026-04-01. Review status: criteria provided, single submitter. Criteria: CeGaT Center For Human Genetics Tuebingen Variant Classification Criteria Version 2. Collection method: clinical testing. Allele origin: germline. Affected: yes. Observed: 16 variant alleles.
Comment: PDE2A: BP4, BP7, BS2

Labcorp Genetics (formerly Invitae), Labcorp
Classification: Benign. Last evaluated: 2025-11-12. Review status: criteria provided, single submitter. Criteria: Invitae Variant Classification Sherloc (09022015). Collection method: clinical testing. Allele origin: germline.

Blueprint Genetics
Classification: Likely benign. Last evaluated: 2024-11-07. Review status: criteria provided, single submitter. Criteria: ACMG Guidelines, 2015. Collection method: clinical testing. Allele origin: germline.

NM_002599.5(PDE2A):c.1398G>A (p.Ala466=)

Genes: PDE2A (phosphodiesterase 2A; minus strand), PDE2A-AS2 (PDE2A antisense RNA 2; plus strand). Cytogenetic location: 11q13.4.
Variant type: single nucleotide variant.
Coding change: c.1398G>A on transcript NM_002599.5 (MANE Select); coding-DNA position 1398, G replaced by A.
Protein change: p.Ala466=; no amino-acid change (alanine 466 retained).
Molecular consequence: synonymous variant.
Genome position (GRCh38, 1-based): chr11:72,584,690, C>T on the plus strand (G>A on the coding strand, the complement: PDE2A is on the minus strand). VCF-style: chr11-72584690-C-T. GRCh37 (hg19) VCF-style: chr11-72295734-C-T.
Other names: c.1398G>A (NM_002599.4); c.1377G>A, p.Ala459= (NM_001143839.4); c.1371G>A, p.Ala457= (NM_001146209.3); c.1335G>A, p.Ala445= (NM_001243784.2).
Identifiers: ClinVar variation 1335080 (VCV001335080.42), dbSNP rs150054293, ClinGen allele CA6172185.